The following is an entry in ClinVar:

ClinVar aggregate classification (germline): Uncertain significance. Review status: criteria provided, multiple submitters, no conflicts (2 of 4 stars). 3 submissions from 3 submitters: Uncertain significance (3). Last evaluated 2024-10-25.

Conditions:
Inborn genetic diseases. Identifiers: MedGen C0950123, MeSH D030342.

Allele frequency attached by ClinVar (database versions not stated): gnomAD exomes 0.00001; gnomAD 0.00003 and 0.00004; TOPMed 0.00006.

Submissions (3):

Ambry Genetics
Classification: Uncertain significance for Inborn genetic diseases. Last evaluated: 2024-10-25. Review status: criteria provided, single submitter. Criteria: Ambry Variant Classification Scheme 2023. Collection method: clinical testing. Allele origin: germline.

Labcorp Genetics (formerly Invitae), Labcorp
Classification: Uncertain significance. Last evaluated: 2022-08-19. Review status: criteria provided, single submitter. Criteria: Invitae Variant Classification Sherloc (09022015). Collection method: clinical testing. Allele origin: germline.
Comment: This sequence change replaces glycine, which is neutral and non-polar, with arginine, which is basic and polar, at codon 1696 of the OBSL1 protein (p.Gly1696Arg). This variant is not present in population databases (gnomAD no frequency). This variant has not been reported in the literature in individuals affected with OBSL1-related conditions. ClinVar contains an entry for this variant (Variation ID: 1302655). Algorithms developed to predict the effect of missense changes on protein structure and function are either unavailable or do not agree on the potential impact of this missense change (SIFT: "Deleterious"; PolyPhen-2: "Probably Damaging"; Align-GVGD: "Class C0"). Algorithms developed to predict the effect of sequence changes on RNA splicing suggest that this variant may create or strengthen a splice site. In summary, the available evidence is currently insufficient to determine the role of this variant in disease. Therefore, it has been classified as a Variant of Uncertain Significance.

GeneDx
Classification: Uncertain significance. Last evaluated: 2019-05-20. Review status: criteria provided, single submitter. Criteria: GeneDx Variant Classification Process June 2021. Collection method: clinical testing. Allele origin: germline. Affected: yes.
Comment: Not observed in large population cohorts (Lek et al., 2016); In silico analysis, which includes protein predictors and evolutionary conservation, supports a deleterious effect; Has not been previously published as pathogenic or benign to our knowledge

NM_015311.3(OBSL1):c.5086G>A (p.Gly1696Arg)

Gene: OBSL1 (obscurin like cytoskeletal adaptor 1; minus strand). Cytogenetic location: 2q35.
Variant type: single nucleotide variant.
Coding change: c.5086G>A on transcript NM_015311.3 (MANE Select); coding-DNA position 5086, G replaced by A.
Protein change: p.Gly1696Arg; replaces glycine 1696 with arginine.
Molecular consequence: missense variant.
Genome position (GRCh38, 1-based): chr2:219,552,928, C>T on the plus strand (G>A on the coding strand, the complement: OBSL1 is on the minus strand). VCF-style: chr2-219552928-C-T. GRCh37 (hg19) VCF-style: chr2-220417650-C-T.
Other names: short protein forms G1696R.
Identifiers: ClinVar variation 1302655 (VCV001302655.5), dbSNP rs1044064113, ClinGen allele CA66022612.